The following is an entry in ClinVar:

NM_002439.5(MSH3):c.601A>G (p.Ser201Gly)

Gene: MSH3 (mutS homolog 3; plus strand). Cytogenetic location: 5q14.1.
Variant type: single nucleotide variant.
Coding change: c.601A>G on transcript NM_002439.5 (MANE Select); coding-DNA position 601, A replaced by G.
Protein change: p.Ser201Gly; replaces serine 201 with glycine.
Molecular consequence: missense variant.
Genome position (GRCh38, 1-based): chr5:80,670,118, A>G. VCF-style: chr5-80670118-A-G. GRCh37 (hg19) VCF-style: chr5-79965937-A-G.
Other names: c.601A>G (NM_002439.3); short protein forms S201G.
Identifiers: ClinVar variation 2075044 (VCV002075044.5), dbSNP rs759271567, ClinGen allele CA3327654.
Genomic context (GRCh38, chr5:80,670,118, plus strand): 5'-TTAATATTTTTAAAACTTTATACATCTTTTGGTTGCCAGGACACAACACTTTTTGATCTC[A>G]GTCAGTTTGGATCATCAAATACAAGTCATGAAAATTTACAGAAAACTGCTTCCAAATCAG-3'
Protein context (NP_002430.3, residues 191-211): NQKDTTLFDL[Ser201Gly]QFGSSNTSHE

ClinVar aggregate classification (germline): Conflicting classifications of pathogenicity. Review status: criteria provided, conflicting classifications (1 of 4 stars). 2 submissions from 2 submitters: Uncertain significance (1); Likely benign (1). Last evaluated 2025-12-24.

Conditions:
Hereditary cancer-predisposing syndrome. Also called: Hereditary Cancer Syndrome; Tumor predisposition; Hereditary neoplastic syndrome; Neoplastic Syndromes, Hereditary. Identifiers: Orphanet 140162, MedGen C0027672, MeSH D009386, MONDO:0015356.

Allele frequency attached by ClinVar (database versions not stated): ExAC 0.00001.
gnomAD v4.1: 1 of 1,614,118 alleles (0.000062%); highest among the groups gnomAD compares: Non-Finnish European, 0.000085%; no homozygotes.

Submissions (2):

Labcorp Genetics (formerly Invitae), Labcorp
Classification: Uncertain significance. Last evaluated: 2025-12-24. Review status: criteria provided, single submitter. Criteria: Invitae Variant Classification Sherloc (09022015). Collection method: clinical testing. Allele origin: germline.
Comment: This sequence change replaces serine, which is neutral and polar, with glycine, which is neutral and non-polar, at codon 201 of the MSH3 protein (p.Ser201Gly). This variant is present in population databases (rs759271567, gnomAD 0.0009%). This variant has not been reported in the literature in individuals affected with MSH3-related conditions. ClinVar contains an entry for this variant (Variation ID: 2075044). An algorithm developed to predict the effect of missense changes on protein structure and function outputs the following: PolyPhen-2: "Benign". The glycine amino acid residue is found in multiple mammalian species, which suggests that this missense change does not adversely affect protein function. In summary, the available evidence is currently insufficient to determine the role of this variant in disease. Therefore, it has been classified as a Variant of Uncertain Significance.

Ambry Genetics
Classification: Likely benign for Hereditary cancer-predisposing syndrome. Last evaluated: 2025-10-28. Review status: criteria provided, single submitter. Criteria: Ambry Variant Classification Scheme 2023. Collection method: clinical testing. Allele origin: germline.